The following is an entry in ClinVar:

NM_000245.4(MET):c.1201-15C>T

Gene: MET (MET proto-oncogene, receptor tyrosine kinase; plus strand). Cytogenetic location: 7q31.2.
Variant type: single nucleotide variant.
Coding change: c.1201-15C>T on transcript NM_000245.4 (MANE Select); 15 bases into the intron before coding-DNA position 1201, C replaced by T.
Molecular consequence: intron variant.
Genome position (GRCh38, 1-based): chr7:116,731,653, C>T. VCF-style: chr7-116731653-C-T. GRCh37 (hg19) VCF-style: chr7-116371707-C-T.
Other names: c.1201-15C>T (NM_001127500.3, NM_001324401.3); c.-90-15C>T (NM_001324402.2).
Identifiers: ClinVar variation 1624141 (VCV001624141.9), dbSNP rs1392417542, ClinGen allele CA577680509.
Genomic context (GRCh38, chr7:116,731,653, plus strand): 5'-TACACACTGAAAGGTTTCTTACCAGCTTGTTCATGTCTGGATTCACATTAACTCTATGAC[C>T]ATATTTTATTCCAGACACTTCTGAGAAATTCATCAGGCTGTGAAGCGCGCCGTGATGAAT-3'

ClinVar aggregate classification (germline): Likely benign. Review status: criteria provided, multiple submitters, no conflicts (2 of 4 stars). 2 submissions from 2 submitters: Likely benign (2). Last evaluated 2026-01-13.

Conditions:
Renal cell carcinoma. Identifiers: Orphanet 217071, MedGen C0007134, MeSH D002292, MONDO:0005086, HP:0005584.
Papillary renal cell carcinoma type 1 (RCCP1). Also called: RENAL CELL CARCINOMA, PAPILLARY, 1, SOMATIC; Renal adenocarcinoma; Renal cell carcinoma 1; Renal cell carcinoma, somatic. Identifiers: Orphanet 47044, MedGen C1336839, OMIM 605074, HP:0011797.

Allele frequency attached by ClinVar (database versions not stated): gnomAD exomes 0.00001; TOPMed 0.00001; gnomAD 0.00002.
gnomAD v4.1: 25 of 1,613,328 alleles (0.0015%); highest among the groups gnomAD compares: Non-Finnish European, 0.002%; no homozygotes.

Submissions (2):

Labcorp Genetics (formerly Invitae), Labcorp
Classification: Likely benign for Renal cell carcinoma. Last evaluated: 2026-01-13. Review status: criteria provided, single submitter. Criteria: Invitae Variant Classification Sherloc (09022015). Collection method: clinical testing. Allele origin: germline.

Myriad Genetics, Inc.
Classification: Likely benign for Papillary renal cell carcinoma type 1. Last evaluated: 2024-11-07. Review status: criteria provided, single submitter. Criteria: Myriad Autosomal Dominant, Autosomal Recessive and X-Linked Classification Criteria (2023). Collection method: clinical testing. Allele origin: unknown.
Comment: This variant is considered likely benign. This variant is intronic and is not expected to impact mRNA splicing.